The following is an entry in ClinVar:

ClinVar aggregate classification (germline): Uncertain significance. Review status: criteria provided, multiple submitters, no conflicts (2 of 4 stars). 3 submissions from 3 submitters: Uncertain significance (3). Last evaluated 2025-04-02.

Conditions:
Hereditary cancer-predisposing syndrome. Also called: Tumor predisposition; Hereditary neoplastic syndrome; Neoplastic Syndromes, Hereditary; Hereditary Cancer Syndrome. Identifiers: Orphanet 140162, MedGen C0027672, MeSH D009386, MONDO:0015356.
Colorectal cancer. Also called: Colorectal cancer, somatic; Malignant Colorectal Neoplasm. Identifiers: MedGen C0346629, MONDO:0005575, OMIM 114500.
Oligodontia-cancer predisposition syndrome. Also called: TOOTH AGENESIS-COLORECTAL CANCER SYNDROME. Identifiers: Orphanet 300576, MedGen C1837750, MONDO:0012075, OMIM 608615. Disease mechanism: loss of function.

Submissions (3):

Ambry Genetics
Classification: Uncertain significance for Hereditary cancer-predisposing syndrome. Last evaluated: 2025-04-02. Review status: criteria provided, single submitter. Criteria: Ambry Variant Classification Scheme 2023. Collection method: clinical testing. Allele origin: germline.
Comment: The c.1486_1491delGCCTGC variant (also known as p.A496_C497del) is located in coding exon 5 of the AXIN2 gene. This variant results from an in-frame GCCTGC deletion at nucleotide positions 1486 to 1491. This results in the in-frame deletion of two amino acids at codons 496 to 497. This amino acid region is not well conserved in available vertebrate species. In addition, this alteration is predicted to be neutral by in silico analysis (Choi Y et al. PLoS ONE. 2012; 7(10):e46688). Based on the available evidence, the clinical significance of this variant remains unclear.

Baylor Genetics
Classification: Uncertain significance for Colorectal cancer. Last evaluated: 2024-02-13. Review status: criteria provided, single submitter. Criteria: ACMG Guidelines, 2015. Collection method: clinical testing. Allele origin: unknown.

Labcorp Genetics (formerly Invitae), Labcorp
Classification: Uncertain significance for Oligodontia-cancer predisposition syndrome. Last evaluated: 2023-12-14. Review status: criteria provided, single submitter. Criteria: Invitae Variant Classification Sherloc (09022015). Collection method: clinical testing. Allele origin: germline.
Comment: This variant, c.1486_1491del, results in the deletion of 2 amino acid(s) of the AXIN2 protein (p.Ala496_Cys497del), but otherwise preserves the integrity of the reading frame. This variant is not present in population databases (gnomAD no frequency). This variant has not been reported in the literature in individuals affected with AXIN2-related conditions. ClinVar contains an entry for this variant (Variation ID: 957737). Experimental studies and prediction algorithms are not available or were not evaluated, and the functional significance of this variant is currently unknown. In summary, the available evidence is currently insufficient to determine the role of this variant in disease. Therefore, it has been classified as a Variant of Uncertain Significance.

NM_004655.4(AXIN2):c.1486_1491del (p.Ala496_Cys497del)

Gene: AXIN2 (axin 2; minus strand). Cytogenetic location: 17q24.1.
Variant type: Deletion.
Coding change: c.1486_1491del on transcript NM_004655.4 (MANE Select); coding-DNA positions 1486 to 1491, 6 bases deleted (GCCTGC; older notation c.1486_1491delGCCTGC).
Protein change: p.Ala496_Cys497del.
Molecular consequence: inframe deletion.
Genome position (GRCh38, 1-based): chr17:65,537,545-65,537,550, GCAGGC deleted on the plus strand (GCCTGC on the coding strand, the reverse complement: AXIN2 is on the minus strand); deleting any 6 consecutive bases within chr17:65,537,545-65,537,552 gives the same sequence; the c. name uses the placement nearest the transcript's 3' end. VCF-style (leftmost placement, unchanged base first): chr17-65537544-GGCAGGC-G. GRCh37 (hg19) VCF-style: chr17-63533662-GGCAGGC-G.
Other names: c.1486_1491delGCCTGC (NM_004655.3); c.1486_1491del, p.Ala496_Cys497del (NM_001363813.1).
Identifiers: ClinVar variation 957737 (VCV000957737.11), dbSNP rs2043951726, ClinGen allele CA1139665831.